The following is an entry in ClinVar:

NM_003900.5(SQSTM1):c.110C>T (p.Ala37Val)

Gene: SQSTM1 (sequestosome 1; plus strand). Cytogenetic location: 5q35.3.
Variant type: single nucleotide variant.
Coding change: c.110C>T on transcript NM_003900.5 (MANE Select); coding-DNA position 110, C replaced by T.
Protein change: p.Ala37Val; replaces alanine 37 with valine.
Molecular consequence: missense variant. On other transcripts: intron variant (2).
Genome position (GRCh38, 1-based): chr5:179,821,046, C>T. VCF-style: chr5-179821046-C-T. GRCh37 (hg19) VCF-style: chr5-179248046-C-T.
Other names: c.-47-1912C>T (NM_001142298.2, NM_001142299.2); short protein forms A37V.
Identifiers: ClinVar variation 4782890 (VCV004782890.1).

ClinVar aggregate classification (germline): Uncertain significance (1 of 4 stars; one submission).

Conditions:
Frontotemporal dementia and/or amyotrophic lateral sclerosis 1 (FTDALS1). Also called: C9orf72 Frontotemporal Dementia and/or Amyotrophic Lateral Sclerosis; Frontotemporal dementia with motor neuron disease 1. Identifiers: Orphanet 275872, MedGen C5779877, MONDO:0007105, OMIM 105550.
Paget disease of bone 2, early-onset (PDB2). Also called: Paget disease of bone 2. Identifiers: MedGen C4085251, MONDO:0011183, OMIM 602080.

Submission:

Labcorp Genetics (formerly Invitae), Labcorp
Classification: Uncertain significance for Paget disease of bone 2, early-onset; Frontotemporal dementia and/or amyotrophic lateral sclerosis 1. Last evaluated: 2025-02-09. Review status: criteria provided, single submitter. Criteria: Invitae Variant Classification Sherloc (09022015). Collection method: clinical testing. Allele origin: germline.
Comment: This sequence change replaces alanine, which is neutral and non-polar, with valine, which is neutral and non-polar, at codon 37 of the SQSTM1 protein (p.Ala37Val). This variant is not present in population databases (gnomAD no frequency). This variant has not been reported in the literature in individuals affected with SQSTM1-related conditions. An algorithm developed to predict the effect of missense changes on protein structure and function (PolyPhen-2) suggests that this variant is likely to be tolerated. In summary, the available evidence is currently insufficient to determine the role of this variant in disease. Therefore, it has been classified as a Variant of Uncertain Significance.